The following is an entry in ClinVar:

NM_001270974.2(HYDIN):c.12846_12847del (p.Leu4283fs)

Gene: HYDIN (HYDIN axonemal central pair apparatus protein; minus strand). Cytogenetic location: 16q22.2.
Variant type: Deletion.
Coding change: c.12846_12847del on transcript NM_001270974.2 (MANE Select); coding-DNA positions 12846 to 12847, 2 bases deleted (CT; older notation c.12846_12847delCT).
Protein change: p.Leu4283fs; shifts the reading frame from leucine 4283.
Molecular consequence: frameshift variant.
Genome position (GRCh38, 1-based): chr16:70,849,752-70,849,753, AG deleted on the plus strand (CT on the coding strand, the reverse complement: HYDIN is on the minus strand); deleting any 2 consecutive bases within chr16:70,849,752-70,849,754 gives the same sequence; the c. name uses the placement nearest the transcript's 3' end. VCF-style (leftmost placement, unchanged base first): chr16-70849751-AAG-A. GRCh37 (hg19) VCF-style: chr16-70883654-AAG-A.
Other names: c.12846_12847delCT (NM_001270974.1); short protein forms L4283fs.
Identifiers: ClinVar variation 422647 (VCV000422647.3), dbSNP rs1064795912, ClinGen allele CA16620267.
Genomic context (GRCh38, chr16:70,849,751, plus strand): 5'-ACTTTTGGAGTTTGGACAATGTTAAATGGACTCACCTTGATTATGAGTTCCAGGTCTGTC[AAG>A]ACACACTTCTTTAATGGTTGAAAAGACAGGGTGGCATGTACACTCTGTCCTACATCCACA-3'

ClinVar aggregate classification (germline): Likely pathogenic (1 of 4 stars; one submission).

Submission:

GeneDx
Classification: Likely pathogenic. Last evaluated: 2019-04-29. Review status: criteria provided, single submitter. Criteria: GeneDx Variant Classification Process June 2021. Collection method: clinical testing. Allele origin: germline. Affected: yes.
Comment: Frameshift variant predicted to result in protein truncation or nonsense mediated decay in a gene for which loss-of-function is a known mechanism of disease; Not observed in large population cohorts (Lek et al., 2016); Has not been previously published as pathogenic or benign to our knowledge